The following is an entry in ClinVar:

NM_000053.4(ATP7B):c.176C>T (p.Thr59Ile)

Gene: ATP7B (ATPase copper transporting beta; minus strand). Cytogenetic location: 13q14.3.
Variant type: single nucleotide variant.
Coding change: c.176C>T on transcript NM_000053.4 (MANE Select); coding-DNA position 176, C replaced by T.
Protein change: p.Thr59Ile; replaces threonine 59 with isoleucine.
Molecular consequence: missense variant.
Genome position (GRCh38, 1-based): chr13:51,975,044, G>A on the plus strand (C>T on the coding strand, the complement: ATP7B is on the minus strand). VCF-style: chr13-51975044-G-A. GRCh37 (hg19) VCF-style: chr13-52549180-G-A.
Other names: p.Thr59Ile; c.176C>T, p.Thr59Ile (NM_001005918.3, NM_001243182.2, NM_001330578.2 and 30 more transcripts); c.80C>T, p.Thr27Ile (NM_001406517.1, NM_001406518.1, NM_001406530.1 and 4 more transcripts); short protein forms T27I, T59I.
Identifiers: ClinVar variation 2165227 (VCV002165227.6), dbSNP rs768112104, ClinGen allele CA6989604.
Genomic context (GRCh38, chr13:51,975,044, plus strand): 5'-CTGTCCTCAATGGACTTCACACATGACTGGCAAGTCATGCCCAAGATCCTGACTGTGCTG[G>A]TGGCCACCTGAGAAGAAGGGCCCAGGCCATCCAGACCACCTTCATAGCCAACATTGTCAA-3'
Protein context (NP_000044.2, residues 49-69): DGLGPSSQVA[Thr59Ile]STVRILGMTC

ClinVar aggregate classification (germline): Uncertain significance. Review status: criteria provided, multiple submitters, no conflicts (2 of 4 stars). 3 submissions from 3 submitters: Uncertain significance (3). Last evaluated 2024-08-13.

Conditions:
Wilson disease (WND). Also called: Wilson's disease. Identifiers: Orphanet 905, MedGen C0019202, MONDO:0010200, OMIM 277900. Disease mechanism: loss of function.

Allele frequency attached by ClinVar (database versions not stated): TOPMed below 0.00001; ExAC 0.00003.
gnomAD v4.1: 8 of 1,614,102 alleles (0.0005%); highest among the groups gnomAD compares: Non-Finnish European, 0.00068%; no homozygotes.

Submissions (3):

All of Us Research Program, National Institutes of Health
Classification: Uncertain significance for Wilson disease. Last evaluated: 2024-08-13. Review status: criteria provided, single submitter. Criteria: ACMG Guidelines, 2015. Collection method: clinical testing. Allele origin: germline. Inheritance: Autosomal recessive inheritance. Observed: 1 variant allele, 1 heterozygote.
Comment: This missense variant replaces threonine with isoleucine at codon 59 of the ATP7B protein. Computational prediction suggests that this variant may not impact protein structure and function (internally defined REVEL score threshold <= 0.5, PMID: 27666373). To our knowledge, functional studies have not been reported for this variant. This variant has not been reported in individuals affected with ATP7B-related disorders in the literature. This variant has been identified in 4/249282 chromosomes in the general population by the Genome Aggregation Database (gnomAD). The available evidence is insufficient to determine the role of this variant in disease conclusively. Therefore, this variant is classified as a Variant of Uncertain Significance.

This study involves interpretation of variants in research participants for the purpose of population health screening. Participant phenotype was not available at the time of variant classification. Additional details can be found in publication PMID: 35346344, PMCID: PMC8962531

Mayo Clinic Laboratories, Mayo Clinic
Classification: Uncertain significance. Last evaluated: 2023-02-02. Review status: criteria provided, single submitter. Criteria: ACMG Guidelines, 2015. Collection method: clinical testing. Allele origin: germline. Observed: 1 variant allele.
Comment: PM2

Labcorp Genetics (formerly Invitae), Labcorp
Classification: Uncertain significance for Wilson disease. Last evaluated: 2022-01-05. Review status: criteria provided, single submitter. Criteria: Invitae Variant Classification Sherloc (09022015). Collection method: clinical testing. Allele origin: germline.
Comment: Advanced modeling of protein sequence and biophysical properties (such as structural, functional, and spatial information, amino acid conservation, physicochemical variation, residue mobility, and thermodynamic stability) performed at Invitae indicates that this missense variant is not expected to disrupt ATP7B protein function. In summary, the available evidence is currently insufficient to determine the role of this variant in disease. Therefore, it has been classified as a Variant of Uncertain Significance. This sequence change replaces threonine, which is neutral and polar, with isoleucine, which is neutral and non-polar, at codon 59 of the ATP7B protein (p.Thr59Ile). This variant is present in population databases (rs768112104, gnomAD 0.004%). This variant has not been reported in the literature in individuals affected with ATP7B-related conditions.